The following is an entry in ClinVar:

ClinVar aggregate classification (germline): Likely benign (0 of 4 stars; one submission).

Conditions:
ANKK1-related disorder. Also called: ANKK1-related condition.

Allele frequency attached by ClinVar (database versions not stated): gnomAD exomes 0.00001.
gnomAD v4.1: 12 of 1,613,524 alleles (0.00074%); highest among the groups gnomAD compares: South Asian, 0.013%; no homozygotes.

Submission:

PreventionGenetics, part of Exact Sciences
Classification: Likely benign for ANKK1-related condition. Last evaluated: 2019-11-13. Review status: no assertion criteria provided. Collection method: clinical testing. Allele origin: germline.
Comment: This variant is classified as likely benign based on ACMG/AMP sequence variant interpretation guidelines (Richards et al. 2015 PMID: 25741868, with internal and published modifications).

NM_178510.2(ANKK1):c.2031C>T (p.Asn677=)

Gene: ANKK1 (ankyrin repeat and kinase domain containing 1; plus strand). Cytogenetic location: 11q23.2.
Variant type: single nucleotide variant.
Coding change: c.2031C>T on transcript NM_178510.2 (MANE Select); coding-DNA position 2031, C replaced by T.
Protein change: p.Asn677=; no amino-acid change (asparagine 677 retained).
Molecular consequence: synonymous variant.
Genome position (GRCh38, 1-based): chr11:113,400,000, C>T. VCF-style: chr11-113400000-C-T. GRCh37 (hg19) VCF-style: chr11-113270722-C-T.
Identifiers: ClinVar variation 3045786 (VCV003045786.2), dbSNP rs1431194415, ClinGen allele CA477043004.